The following is an entry in ClinVar:

ClinVar aggregate classification (germline): Benign/Likely benign. Review status: criteria provided, multiple submitters, no conflicts (2 of 4 stars). 3 submissions from 3 submitters: Benign (1); Likely benign (1). 1 of the submissions does not count toward it. Last evaluated 2022-07-12.

Conditions:
STS-related disorder. Also called: STS-related condition.
Inborn genetic diseases. Identifiers: MedGen C0950123, MeSH D030342.

Allele frequency attached by ClinVar (database versions not stated): gnomAD 0.00003 and 0.00004; TOPMed 0.00003; gnomAD exomes 0.00007 and 0.00015; ExAC 0.00008.
gnomAD v4.1: 36 of 1,205,122 alleles (0.003%); highest among the groups gnomAD compares: Admixed American, 0.073%; no homozygotes.

Submissions (3):

Ambry Genetics
Classification: Likely benign for Inborn genetic diseases. Last evaluated: 2022-07-12. Review status: criteria provided, single submitter. Criteria: Ambry Variant Classification Scheme 2023. Collection method: clinical testing. Allele origin: germline.

Labcorp Genetics (formerly Invitae), Labcorp
Classification: Benign. Last evaluated: 2018-03-01. Review status: criteria provided, single submitter. Criteria: Invitae Variant Classification Sherloc (09022015). Collection method: clinical testing. Allele origin: germline.

PreventionGenetics, part of Exact Sciences
Classification: Likely benign for STS-related condition. Last evaluated: 2024-08-14. Review status: no assertion criteria provided. Collection method: clinical testing. Allele origin: germline. Not counted in ClinVar's aggregate classification.
Comment: This variant is classified as likely benign based on ACMG/AMP sequence variant interpretation guidelines (Richards et al. 2015 PMID: 25741868, with internal and published modifications).

NM_001320752.2(STS):c.1733G>A (p.Arg578His)

Gene: STS (steroid sulfatase; plus strand). Cytogenetic location: Xp22.31.
Variant type: single nucleotide variant.
Coding change: c.1733G>A on transcript NM_001320752.2 (MANE Select); coding-DNA position 1733, G replaced by A.
Protein change: p.Arg578His; replaces arginine 578 with histidine.
Molecular consequence: missense variant.
Genome position (GRCh38, 1-based): chrX:7,350,257, G>A. VCF-style: chrX-7350257-G-A. GRCh37 (hg19) VCF-style: chrX-7268298-G-A.
Other names: c.1733G>A, p.Arg578His (NM_000351.7, NM_001320753.2, NM_001320754.2); c.1769G>A, p.Arg590His (NM_001320750.3, NM_001320751.2); c.1748G>A (NM_000351.5); short protein forms R590H, R578H.
Identifiers: ClinVar variation 781922 (VCV000781922.6), dbSNP rs753467738, ClinGen allele CA10342233.